The following is an entry in ClinVar:

ClinVar aggregate classification (germline): Uncertain significance. Review status: criteria provided, multiple submitters, no conflicts (2 of 4 stars). 2 submissions from 2 submitters: Uncertain significance (2). Last evaluated 2025-08-14.

Conditions:
Inborn genetic diseases. Identifiers: MedGen C0950123, MeSH D030342.

Allele frequency attached by ClinVar (database versions not stated): gnomAD 0.00002; TOPMed 0.00002.

Submissions (2):

Ambry Genetics
Classification: Uncertain significance for Inborn genetic diseases. Last evaluated: 2025-08-14. Review status: criteria provided, single submitter. Criteria: Ambry Variant Classification Scheme 2023. Collection method: clinical testing. Allele origin: germline.

Labcorp Genetics (formerly Invitae), Labcorp
Classification: Uncertain significance. Last evaluated: 2022-02-06. Review status: criteria provided, single submitter. Criteria: Invitae Variant Classification Sherloc (09022015). Collection method: clinical testing. Allele origin: germline.
Comment: This sequence change replaces alanine, which is neutral and non-polar, with threonine, which is neutral and polar, at codon 1539 of the MYH3 protein (p.Ala1539Thr). This variant is present in population databases (no rsID available, gnomAD 0.007%). This variant has not been reported in the literature in individuals affected with MYH3-related conditions. Algorithms developed to predict the effect of missense changes on protein structure and function are either unavailable or do not agree on the potential impact of this missense change (SIFT: "Deleterious"; PolyPhen-2: "Benign"; Align-GVGD: "Class C0"). In summary, the available evidence is currently insufficient to determine the role of this variant in disease. Therefore, it has been classified as a Variant of Uncertain Significance.

NM_002470.4(MYH3):c.4615G>A (p.Ala1539Thr)

Gene: MYH3 (myosin heavy chain 3; minus strand). Cytogenetic location: 17p13.1.
Variant type: single nucleotide variant.
Coding change: c.4615G>A on transcript NM_002470.4 (MANE Select); coding-DNA position 4615, G replaced by A.
Protein change: p.Ala1539Thr; replaces alanine 1539 with threonine.
Molecular consequence: missense variant.
Genome position (GRCh38, 1-based): chr17:10,633,623, C>T on the plus strand (G>A on the coding strand, the complement: MYH3 is on the minus strand). VCF-style: chr17-10633623-C-T. GRCh37 (hg19) VCF-style: chr17-10536940-C-T.
Other names: c.4615G>A (NM_002470.3); short protein forms A1539T.
Identifiers: ClinVar variation 2194367 (VCV002194367.5), dbSNP rs888336601, ClinGen allele CA287781061.